The following is an entry in ClinVar:

ClinVar aggregate classification (germline): Uncertain significance (1 of 4 stars; one submission).

gnomAD v4.1: 1 of 1,611,578 alleles (0.000062%); highest among the groups gnomAD compares: South Asian, 0.0011%; no homozygotes.

Submission:

Labcorp Genetics (formerly Invitae), Labcorp
Classification: Uncertain significance. Last evaluated: 2025-11-10. Review status: criteria provided, single submitter. Criteria: Invitae Variant Classification Sherloc (09022015). Collection method: clinical testing. Allele origin: germline.
Comment: This sequence change replaces proline, which is neutral and non-polar, with arginine, which is basic and polar, at codon 510 of the COL9A2 protein (p.Pro510Arg). This variant is not present in population databases (gnomAD no frequency). This variant has not been reported in the literature in individuals affected with COL9A2-related conditions. Invitae Evidence Modeling of protein sequence and biophysical properties (such as structural, functional, and spatial information, amino acid conservation, physicochemical variation, residue mobility, and thermodynamic stability) indicates that this missense variant is not expected to disrupt COL9A2 protein function with a negative predictive value of 95%. In summary, the available evidence is currently insufficient to determine the role of this variant in disease. Therefore, it has been classified as a Variant of Uncertain Significance.

NM_001852.4(COL9A2):c.1529C>G (p.Pro510Arg)

Gene: COL9A2 (collagen type IX alpha 2 chain; minus strand). Cytogenetic location: 1p34.2.
Variant type: single nucleotide variant.
Coding change: c.1529C>G on transcript NM_001852.4 (MANE Select); coding-DNA position 1529, C replaced by G.
Protein change: p.Pro510Arg; replaces proline 510 with arginine.
Molecular consequence: missense variant.
Genome position (GRCh38, 1-based): chr1:40,303,549, G>C on the plus strand (C>G on the coding strand, the complement: COL9A2 is on the minus strand). VCF-style: chr1-40303549-G-C. GRCh37 (hg19) VCF-style: chr1-40769221-G-C.
Other names: short protein forms P510R.
Identifiers: ClinVar variation 4799882 (VCV004799882.1).